The following is an entry in ClinVar:

ClinVar aggregate classification (germline): Uncertain significance (1 of 4 stars; one submission).

Conditions:
Cardiovascular phenotype. Identifiers: MedGen CN230736.

Submission:

Ambry Genetics
Classification: Uncertain significance for Cardiovascular phenotype. Last evaluated: 2026-08-31. Review status: criteria provided, single submitter. Criteria: Ambry Variant Classification Scheme 2023. Collection method: clinical testing. Allele origin: germline.
Comment: The p.A828V variant (also known as c.2483C>T), located in coding exon 10 of the MYPN gene, results from a C to T substitution at nucleotide position 2483. The alanine at codon 828 is replaced by valine, an amino acid with similar properties. This amino acid position is conserved. In addition, this alteration is predicted to be deleterious by in silico analysis. Based on the available evidence, the clinical significance of this variant remains unclear.

NM_032578.4(MYPN):c.2483C>T (p.Ala828Val)

Gene: MYPN (myopalladin; plus strand). Cytogenetic location: 10q21.3.
Variant type: single nucleotide variant.
Coding change: c.2483C>T on transcript NM_032578.4 (MANE Select); coding-DNA position 2483, C replaced by T.
Protein change: p.Ala828Val; replaces alanine 828 with valine.
Molecular consequence: missense variant. On other transcripts: non-coding transcript variant (2).
Genome position (GRCh38, 1-based): chr10:68,174,575, C>T. VCF-style: chr10-68174575-C-T. GRCh37 (hg19) VCF-style: chr10-69934332-C-T.
Other names: c.1601C>T, p.Ala534Val (NM_001256268.2); c.2483C>T, p.Ala828Val (NM_001256267.2); short protein forms A534V, A828V.
Identifiers: ClinVar variation 5025313 (VCV005025313.1).